The following is an entry in ClinVar:

ClinVar aggregate classification (germline): Uncertain significance (1 of 4 stars; one submission).

Conditions:
Propionic acidemia (PROP). Also called: GLYCINEMIA, KETOTIC; HYPERGLYCINEMIA WITH KETOACIDOSIS AND LEUKOPENIA; KETOTIC HYPERGLYCINEMIA. Identifiers: Orphanet 35, MedGen C0268579, MONDO:0011628, OMIM 606054, HP:0003571.

Allele frequency attached by ClinVar (database versions not stated): TOPMed below 0.00001; gnomAD 0.00001; gnomAD exomes 0.00001.
gnomAD v4.1: 6 of 1,614,068 alleles (0.00037%); highest among the groups gnomAD compares: African/African-American, 0.0013%; no homozygotes.

Submission:

Labcorp Genetics (formerly Invitae), Labcorp
Classification: Uncertain significance for Propionic acidemia. Last evaluated: 2021-12-09. Review status: criteria provided, single submitter. Criteria: Invitae Variant Classification Sherloc (09022015). Collection method: clinical testing. Allele origin: germline.
Comment: In summary, the available evidence is currently insufficient to determine the role of this variant in disease. Therefore, it has been classified as a Variant of Uncertain Significance. Advanced modeling of protein sequence and biophysical properties (such as structural, functional, and spatial information, amino acid conservation, physicochemical variation, residue mobility, and thermodynamic stability) performed at Invitae indicates that this missense variant is expected to disrupt PCCB protein function. This variant has not been reported in the literature in individuals affected with PCCB-related conditions. This variant is not present in population databases (gnomAD no frequency). This sequence change replaces proline, which is neutral and non-polar, with leucine, which is neutral and non-polar, at codon 307 of the PCCB protein (p.Pro307Leu).

NM_000532.5(PCCB):c.920C>T (p.Pro307Leu)

Gene: PCCB (propionyl-CoA carboxylase subunit beta; plus strand). Cytogenetic location: 3q22.3.
Variant type: single nucleotide variant.
Coding change: c.920C>T on transcript NM_000532.5 (MANE Select); coding-DNA position 920, C replaced by T.
Protein change: p.Pro307Leu; replaces proline 307 with leucine.
Molecular consequence: missense variant.
Genome position (GRCh38, 1-based): chr3:136,301,065, C>T. VCF-style: chr3-136301065-C-T. GRCh37 (hg19) VCF-style: chr3-136019907-C-T.
Other names: c.980C>T, p.Pro327Leu (NM_001178014.2); short protein forms P307L, P327L.
Identifiers: ClinVar variation 1445190 (VCV001445190.6), dbSNP rs1370289032, ClinGen allele CA354645661.